The following is an entry in ClinVar:

NM_021830.5(TWNK):c.1789G>A (p.Gly597Arg)

Gene: TWNK (twinkle mtDNA helicase; plus strand). Cytogenetic location: 10q24.31.
Variant type: single nucleotide variant.
Coding change: c.1789G>A on transcript NM_021830.5 (MANE Select); coding-DNA position 1789, G replaced by A.
Protein change: p.Gly597Arg; replaces glycine 597 with arginine.
Molecular consequence: missense variant. On other transcripts: 3 prime UTR variant (2), non-coding transcript variant (5).
Genome position (GRCh38, 1-based): chr10:100,993,244, G>A. VCF-style: chr10-100993244-G-A. GRCh37 (hg19) VCF-style: chr10-102753001-G-A.
Other names: c.*84G>A (NM_001163812.2, NM_001163814.2); c.427G>A, p.Gly143Arg (NM_001163813.2, NM_001368275.1); short protein forms G143R, G597R.
Identifiers: ClinVar variation 3678095 (VCV003678095.2).

ClinVar aggregate classification (germline): Uncertain significance (1 of 4 stars; one submission).

gnomAD v4.1: 5 of 1,614,062 alleles (0.00031%); highest among the groups gnomAD compares: Non-Finnish European, 0.00042%; no homozygotes.

Submission:

Labcorp Genetics (formerly Invitae), Labcorp
Classification: Uncertain significance. Last evaluated: 2024-08-08. Review status: criteria provided, single submitter. Criteria: Invitae Variant Classification Sherloc (09022015). Collection method: clinical testing. Allele origin: germline.
Comment: This sequence change replaces glycine, which is neutral and non-polar, with arginine, which is basic and polar, at codon 597 of the TWNK protein (p.Gly597Arg). This variant is not present in population databases (gnomAD no frequency). This variant has not been reported in the literature in individuals affected with TWNK-related conditions. Advanced modeling of protein sequence and biophysical properties (such as structural, functional, and spatial information, amino acid conservation, physicochemical variation, residue mobility, and thermodynamic stability) has been performed at Invitae for this missense variant, however the output from this modeling did not meet the statistical confidence thresholds required to predict the impact of this variant on TWNK protein function. In summary, the available evidence is currently insufficient to determine the role of this variant in disease. Therefore, it has been classified as a Variant of Uncertain Significance.